The following is an entry in ClinVar:

ClinVar aggregate classification (germline): Conflicting classifications of pathogenicity. Review status: criteria provided, conflicting classifications (1 of 4 stars). 2 submissions from 2 submitters: Uncertain significance (1); Likely benign (1). Last evaluated 2022-09-27.

Conditions:
Alstrom syndrome (ALMS). Identifiers: Orphanet 64, MedGen C0268425, MONDO:0008763, OMIM 203800.

Allele frequency attached by ClinVar (database versions not stated): gnomAD exomes below 0.00001 and 0.00001; ExAC 0.00001; TOPMed 0.00001.
gnomAD v4.1: 2 of 1,613,178 alleles (0.00012%); highest among the groups gnomAD compares: Admixed American, 0.0033%; no homozygotes.

Submissions (2):

Labcorp Genetics (formerly Invitae), Labcorp
Classification: Uncertain significance for Alstrom syndrome. Last evaluated: 2022-09-27. Review status: criteria provided, single submitter. Criteria: Invitae Variant Classification Sherloc (09022015). Collection method: clinical testing. Allele origin: germline.
Comment: This sequence change replaces serine, which is neutral and polar, with phenylalanine, which is neutral and non-polar, at codon 1571 of the ALMS1 protein (p.Ser1571Phe). This variant is present in population databases (rs765461259, gnomAD 0.006%). This variant has not been reported in the literature in individuals affected with ALMS1-related conditions. ClinVar contains an entry for this variant (Variation ID: 929962). Experimental studies and prediction algorithms are not available or were not evaluated, and the functional significance of this variant is currently unknown. In summary, the available evidence is currently insufficient to determine the role of this variant in disease. Therefore, it has been classified as a Variant of Uncertain Significance.

Laboratory for Molecular Medicine, Mass General Brigham Personalized Medicine
Classification: Likely benign. Last evaluated: 2019-08-27. Review status: criteria provided, single submitter. Criteria: LMM Criteria. Collection method: clinical testing. Allele origin: germline. Observed: 1 variant allele.
Comment: The p.Ser1571Phe variant in ALMS1 is classified as likely benign due to a lack of conservation across species. Six mammals (gibbon, bushbaby, Guinea pig, chinchilla, brush-tailed rat, black flying fox) carry a phenylalanine (Phe) at this position despite high nearby amino acid conservation. This variant has been identified in 0.006% (2/34490) of Latino chromosomes by gnomAD. ACMG/AMP Criteria applied: BP4_Strong.

NM_001378454.1(ALMS1):c.4709C>T (p.Ser1570Phe)

Gene: ALMS1 (ALMS1 centrosome and basal body associated protein; plus strand). Cytogenetic location: 2p13.1.
Variant type: single nucleotide variant.
Coding change: c.4709C>T on transcript NM_001378454.1 (MANE Select); coding-DNA position 4709, C replaced by T.
Protein change: p.Ser1570Phe; replaces serine 1570 with phenylalanine.
Molecular consequence: missense variant.
Genome position (GRCh38, 1-based): chr2:73,451,236, C>T. VCF-style: chr2-73451236-C-T. GRCh37 (hg19) VCF-style: chr2-73678363-C-T.
Other names: c.4712C>T, p.Ser1571Phe (NM_015120.4); short protein forms S1570F, S1571F.
Identifiers: ClinVar variation 929962 (VCV000929962.6), dbSNP rs765461259, ClinGen allele CA1713750.